The following is an entry in ClinVar:

ClinVar aggregate classification (germline): Uncertain significance (1 of 4 stars; one submission).

Submission:

GeneDx
Classification: Uncertain significance. Last evaluated: 2022-09-21. Review status: criteria provided, single submitter. Criteria: GeneDx Variant Classification Process June 2021. Collection method: clinical testing. Allele origin: germline. Affected: yes.
Comment: Not observed at significant frequency in large population cohorts (gnomAD); In silico analysis supports that this missense variant has a deleterious effect on protein structure/function; Has not been previously published as pathogenic or benign to our knowledge

NM_017534.6(MYH2):c.3744G>C (p.Lys1248Asn)

Genes: MYH2 (myosin heavy chain 2; minus strand), MYHAS (myosin heavy chain gene cluster antisense RNA; plus strand). Cytogenetic location: 17p13.1.
Variant type: single nucleotide variant.
Coding change: c.3744G>C on transcript NM_017534.6 (MANE Select); coding-DNA position 3744, G replaced by C.
Protein change: p.Lys1248Asn; replaces lysine 1248 with asparagine.
Molecular consequence: missense variant.
Genome position (GRCh38, 1-based): chr17:10,528,690, C>G on the plus strand (G>C on the coding strand, the complement: MYH2 is on the minus strand). VCF-style: chr17-10528690-C-G. GRCh37 (hg19) VCF-style: chr17-10432007-C-G.
Other names: c.3744G>C, p.Lys1248Asn (NM_001100112.2); short protein forms K1248N.
Identifiers: ClinVar variation 2497808 (VCV002497808.1), dbSNP rs2508427535, ClinGen allele CA398132287.